The following is an entry in ClinVar:

ClinVar aggregate classification (germline): Uncertain significance. Review status: criteria provided, multiple submitters, no conflicts (2 of 4 stars). 4 submissions from 4 submitters: Uncertain significance (4). Last evaluated 2024-04-05.

Conditions:
Hereditary cancer-predisposing syndrome. Also called: Tumor predisposition; Hereditary Cancer Syndrome; Hereditary neoplastic syndrome; Neoplastic Syndromes, Hereditary. Identifiers: Orphanet 140162, MedGen C0027672, MeSH D009386, MONDO:0015356.
Ataxia-telangiectasia-like disorder (ATLD). Identifiers: MedGen C1858391, MONDO:0011457.
Ataxia-telangiectasia-like disorder 1 (ATLD1). Identifiers: Orphanet 251347, MedGen C4012790, MONDO:0024557, OMIM 604391.

Submissions (4):

GeneDx
Classification: Uncertain significance. Last evaluated: 2024-04-05. Review status: criteria provided, single submitter. Criteria: GeneDx Variant Classification Process June 2021. Collection method: clinical testing. Allele origin: germline. Affected: yes.
Comment: Not observed at significant frequency in large population cohorts (gnomAD); In silico analysis supports that this missense variant has a deleterious effect on protein structure/function; This variant is associated with the following publications: (PMID: 36703223)

Ambry Genetics
Classification: Uncertain significance for Hereditary cancer-predisposing syndrome. Last evaluated: 2022-10-09. Review status: criteria provided, single submitter. Criteria: Ambry Variant Classification Scheme 2023. Collection method: clinical testing. Allele origin: germline.
Comment: The p.A279P variant (also known as c.835G>C), located in coding exon 7 of the MRE11A gene, results from a G to C substitution at nucleotide position 835. The alanine at codon 279 is replaced by proline, an amino acid with highly similar properties. This variant was not reported in population based cohorts in the following databases: Database of Single Nucleotide Polymorphisms (dbSNP), NHLBI Exome Sequencing Project (ESP), and 1000 Genomes Project. In the ESP, this variant was not observed in 6499 samples (12998 alleles) with coverage at this position. To date, this alteration has been detected with an allele frequency of approximately 0.002% (greater than 175000 alleles tested) in our clinical cohort. This amino acid position is well conserved in available vertebrate species. In addition, this alteration is predicted to be possibly damaging and deleterious by PolyPhen and SIFT in silico analyses, respectively. Since supporting evidence is limited at this time, the clinical significance of this alteration remains unclear.

Labcorp Genetics (formerly Invitae), Labcorp
Classification: Uncertain significance for Ataxia-telangiectasia-like disorder. Last evaluated: 2022-08-23. Review status: criteria provided, single submitter. Criteria: Invitae Variant Classification Sherloc (09022015). Collection method: clinical testing. Allele origin: germline.
Comment: This sequence change replaces alanine, which is neutral and non-polar, with proline, which is neutral and non-polar, at codon 279 of the MRE11 protein (p.Ala279Pro). This variant is not present in population databases (gnomAD no frequency). This variant has not been reported in the literature in individuals affected with MRE11-related conditions. ClinVar contains an entry for this variant (Variation ID: 485811). Algorithms developed to predict the effect of missense changes on protein structure and function are either unavailable or do not agree on the potential impact of this missense change (SIFT: "Deleterious"; PolyPhen-2: "Benign"; Align-GVGD: "Class C0"). In summary, the available evidence is currently insufficient to determine the role of this variant in disease. Therefore, it has been classified as a Variant of Uncertain Significance.

Dubai Health Genomic Medicine Center, Dubai Health
Classification: Uncertain significance for Ataxia-telangiectasia-like disorder 1. Last evaluated: 2021-01-24. Review status: criteria provided, single submitter. Criteria: ACMG Guidelines, 2015. Collection method: clinical testing. Allele origin: germline. Affected: yes.
Comment: The p.Ala279Pro missense variant in MRE11 has not been previously reported in affected individuals and was absent from large population studies such as the Genome Aggregation Database (gnomAD) and the Greater Middle East (GME) variome database. Computational prediction tools and conservation analysis suggest an impact to protein function though this information is not predictive enough to confirm pathogenicity. This variant has been classified as a variant of uncertain significance by two other clinical laboratories (ClinVar ID: 485811). In summary more information is needed to fully assess the clinical significance of this variant.

NM_005591.4(MRE11):c.835G>C (p.Ala279Pro)

Gene: MRE11 (MRE11 double strand break repair nuclease; minus strand). Cytogenetic location: 11q21.
Variant type: single nucleotide variant.
Coding change: c.835G>C on transcript NM_005591.4 (MANE Select); coding-DNA position 835, G replaced by C.
Protein change: p.Ala279Pro; replaces alanine 279 with proline.
Molecular consequence: missense variant.
Genome position (GRCh38, 1-based): chr11:94,471,584, C>G on the plus strand (G>C on the coding strand, the complement: MRE11 is on the minus strand). VCF-style: chr11-94471584-C-G. GRCh37 (hg19) VCF-style: chr11-94204750-C-G.
Other names: c.835G>C, p.Ala279Pro (NM_001330347.2, NM_005590.4); short protein forms A279P.
Identifiers: ClinVar variation 485811 (VCV000485811.13), dbSNP rs147383852, ClinGen allele CA382375468.